The following is an entry in ClinVar:

NM_001077365.2(POMT1):c.1625A>G (p.Lys542Arg)

Gene: POMT1 (protein O-mannosyltransferase 1; plus strand). Cytogenetic location: 9q34.13.
Variant type: single nucleotide variant.
Coding change: c.1625A>G on transcript NM_001077365.2 (MANE Select); coding-DNA position 1625, A replaced by G.
Protein change: p.Lys542Arg; replaces lysine 542 with arginine.
Molecular consequence: missense variant. On other transcripts: non-coding transcript variant (10).
Genome position (GRCh38, 1-based): chr9:131,520,120, A>G. VCF-style: chr9-131520120-A-G. GRCh37 (hg19) VCF-style: chr9-134395507-A-G.
Other names: c.1463A>G, p.Lys488Arg (NM_001077366.2, NM_001353194.2); c.1625A>G, p.Lys542Arg (NM_001136113.2); c.1274A>G, p.Lys425Arg (NM_001136114.2, NM_001353195.2, NM_001374691.1 and 2 more transcripts); c.1691A>G, p.Lys564Arg (NM_001353193.2, NM_007171.4); c.1535A>G, p.Lys512Arg (NM_001353196.2); c.1529A>G, p.Lys510Arg (NM_001353197.2, NM_001353198.2); c.1340A>G, p.Lys447Arg (NM_001353199.2); c.1169A>G, p.Lys390Arg (NM_001353200.2); and 4 more; short protein forms K165R, K390R, K412R, K425R, K447R, K469R, K488R, K510R.
Identifiers: ClinVar variation 3752178 (VCV003752178.2).
Genomic context (GRCh38, chr9:131,520,120, plus strand): 5'-AGGCCTCTGCTTTGTTCCAGTGGAGGATGCTGGCGCTGAGAAGTGATGACTCGGAACACA[A>G]GTACAGCTCCAGCCCACTGGAGTGGGTCACCCTGGACACCAATATTGCCTACTGGCTGCA-3'
Protein context (NP_001070833.1, residues 532-552): LALRSDDSEH[Lys542Arg]YSSSPLEWVT

ClinVar aggregate classification (germline): Uncertain significance (1 of 4 stars; one submission).

Conditions:
Muscular dystrophy-dystroglycanopathy (congenital with impaired intellectual development), type B, 1. Also called: MUSCULAR DYSTROPHY, CONGENITAL, POMT1-RELATED; Muscular dystrophy-dystroglycanopathy (congenital with intellectual disability), type B1. Identifiers: MedGen C5436962, MONDO:0013159, OMIM 613155.
Walker-Warburg congenital muscular dystrophy. Also called: Muscular dystrophy-dystroglycanopathy, type A; Walker-Warburg syndrome. Identifiers: Orphanet 899, MedGen C0265221, MONDO:0000171.
Autosomal recessive limb-girdle muscular dystrophy type 2K. Also called: MUSCULAR DYSTROPHY-DYSTROGLYCANOPATHY (LIMB-GIRDLE), TYPE C, 1; MUSCULAR DYSTROPHY, LIMB-GIRDLE, TYPE 2K. Identifiers: Orphanet 86812, MedGen C1836373, MONDO:0012248, OMIM 609308.

Submission:

Labcorp Genetics (formerly Invitae), Labcorp
Classification: Uncertain significance for Muscular dystrophy-dystroglycanopathy (congenital with impaired intellectual development), type B, 1; Walker-Warburg congenital muscular dystrophy; Autosomal recessive limb-girdle muscular dystrophy type 2K. Last evaluated: 2026-01-07. Review status: criteria provided, single submitter. Criteria: Invitae Variant Classification Sherloc (09022015). Collection method: clinical testing. Allele origin: germline.
Comment: This sequence change replaces lysine, which is basic and polar, with arginine, which is basic and polar, at codon 564 of the POMT1 protein (p.Lys564Arg). This variant is not present in population databases (gnomAD no frequency). This variant has not been reported in the literature in individuals affected with POMT1-related conditions. ClinVar contains an entry for this variant (Variation ID: 3752178). Invitae Evidence Modeling of protein sequence and biophysical properties (such as structural, functional, and spatial information, amino acid conservation, physicochemical variation, residue mobility, and thermodynamic stability) indicates that this missense variant is not expected to disrupt POMT1 protein function with a negative predictive value of 95%. Algorithms developed to predict the effect of sequence changes on RNA splicing suggest that this variant may disrupt the consensus splice site. In summary, the available evidence is currently insufficient to determine the role of this variant in disease. Therefore, it has been classified as a Variant of Uncertain Significance.